The following is an entry in ClinVar:

ClinVar aggregate classification (germline): Uncertain significance (1 of 4 stars; one submission).

Conditions:
Hereditary breast ovarian cancer syndrome. Also called: Hereditary breast and ovarian cancer syndrome (HBOC); BRCA1- and BRCA2-Associated Hereditary Breast and Ovarian Cancer; Hereditary breast and/or ovarian cancer syndrome; Hereditary breast and ovarian cancer; Breast and ovarian cancer; Hereditary breast and ovarian cancer syndrome. Identifiers: Orphanet 145, MedGen C0677776, MeSH D061325, MONDO:0003582. Disease mechanism: loss of function.

Submission:

Labcorp Genetics (formerly Invitae), Labcorp
Classification: Uncertain significance for Hereditary breast ovarian cancer syndrome. Last evaluated: 2022-01-26. Review status: criteria provided, single submitter. Criteria: Invitae Variant Classification Sherloc (09022015). Collection method: clinical testing. Allele origin: germline.
Comment: This sequence change replaces leucine, which is neutral and non-polar, with valine, which is neutral and non-polar, at codon 3172 of the BRCA2 protein (p.Leu3172Val). This variant is not present in population databases (gnomAD no frequency). This variant has not been reported in the literature in individuals affected with BRCA2-related conditions. Advanced modeling of protein sequence and biophysical properties (such as structural, functional, and spatial information, amino acid conservation, physicochemical variation, residue mobility, and thermodynamic stability) performed at Invitae indicates that this missense variant is not expected to disrupt BRCA2 protein function. In summary, the available evidence is currently insufficient to determine the role of this variant in disease. Therefore, it has been classified as a Variant of Uncertain Significance.

NM_000059.4(BRCA2):c.9514C>G (p.Leu3172Val)

Gene: BRCA2 (BRCA2 DNA repair associated; plus strand). Cytogenetic location: 13q13.1.
Variant type: single nucleotide variant.
Coding change: c.9514C>G on transcript NM_000059.4 (MANE Select); coding-DNA position 9514, C replaced by G.
Protein change: p.Leu3172Val; replaces leucine 3172 with valine.
Molecular consequence: missense variant.
Genome position (GRCh38, 1-based): chr13:32,396,910, C>G. VCF-style: chr13-32396910-C-G. GRCh37 (hg19) VCF-style: chr13-32971047-C-G.
Other names: c.9418C>G, p.Leu3140Val (NM_001406719.1); c.9463C>G, p.Leu3155Val (NM_001406720.1); c.4582C>G, p.Leu1528Val (NM_001406721.1); c.3097C>G, p.Leu1033Val (NM_001406722.1); short protein forms L1528V, L3172V, L1033V, L3155V, L3140V.
Identifiers: ClinVar variation 1960165 (VCV001960165.5), dbSNP rs2137658769, ClinGen allele CA387762891.